The following is an entry in ClinVar:

ClinVar aggregate classification (germline): Uncertain significance (1 of 4 stars; one submission).

Conditions:
Developmental and epileptic encephalopathy, 31A. Also called: Epileptic encephalopathy, early infantile, 31; Developmental and epileptic encephalopathy, 31. Identifiers: Orphanet 2382, MedGen C4225357, MONDO:0014598, OMIM 616346.

gnomAD v4.1: 3 of 1,613,728 alleles (0.00019%); highest among the groups gnomAD compares: Non-Finnish European, 0.00025%; no homozygotes.

Submission:

Labcorp Genetics (formerly Invitae), Labcorp
Classification: Uncertain significance for Developmental and epileptic encephalopathy, 31A. Last evaluated: 2022-12-12. Review status: criteria provided, single submitter. Criteria: Invitae Variant Classification Sherloc (09022015). Collection method: clinical testing. Allele origin: germline.
Comment: This variant has not been reported in the literature in individuals affected with DNM1-related conditions. In summary, the available evidence is currently insufficient to determine the role of this variant in disease. Therefore, it has been classified as a Variant of Uncertain Significance. Advanced modeling of protein sequence and biophysical properties (such as structural, functional, and spatial information, amino acid conservation, physicochemical variation, residue mobility, and thermodynamic stability) performed at Invitae indicates that this missense variant is not expected to disrupt DNM1 protein function. This variant is not present in population databases (gnomAD no frequency). This sequence change replaces glutamic acid, which is acidic and polar, with glutamine, which is neutral and polar, at codon 640 of the DNM1 protein (p.Glu640Gln).

NM_004408.4(DNM1):c.1918G>C (p.Glu640Gln)

Gene: DNM1 (dynamin 1; plus strand). Cytogenetic location: 9q34.11.
Variant type: single nucleotide variant.
Coding change: c.1918G>C on transcript NM_004408.4 (MANE Select); coding-DNA position 1918, G replaced by C.
Protein change: p.Glu640Gln; replaces glutamic acid 640 with glutamine.
Molecular consequence: missense variant.
Genome position (GRCh38, 1-based): chr9:128,248,595, G>C. VCF-style: chr9-128248595-G-C. GRCh37 (hg19) VCF-style: chr9-131010874-G-C.
Other names: c.1918G>C, p.Glu640Gln (NM_001005336.3, NM_001288737.2, NM_001288738.2 and 2 more transcripts); short protein forms E640Q.
Identifiers: ClinVar variation 2876088 (VCV002876088.3), dbSNP rs143374099, ClinGen allele CA375000209.